The following is an entry in ClinVar:

ClinVar aggregate classification (germline): Uncertain significance. Review status: criteria provided, multiple submitters, no conflicts (2 of 4 stars). 3 submissions from 3 submitters: Uncertain significance (3). Last evaluated 2026-01-29.

Conditions:
POLD1-related polyposis and colorectal cancer syndrome (CRCS10). Also called: Colorectal cancer, susceptibility to, 10; Colorectal cancer 10; COLORECTAL CANCER, SUSCEPTIBILITY TO, ON CHROMOSOME 19q. Identifiers: Orphanet 220460, MedGen C2675481, MONDO:0012953, OMIM 612591.
Hereditary cancer-predisposing syndrome. Also called: Hereditary Cancer Syndrome; Hereditary neoplastic syndrome; Neoplastic Syndromes, Hereditary; Tumor predisposition. Identifiers: Orphanet 140162, MedGen C0027672, MeSH D009386, MONDO:0015356.

Submissions (3):

Ambry Genetics
Classification: Uncertain significance for Hereditary cancer-predisposing syndrome. Last evaluated: 2026-01-29. Review status: criteria provided, single submitter. Criteria: Ambry Variant Classification Scheme 2023. Collection method: clinical testing. Allele origin: germline.
Comment: The c.203-3C>G intronic variant results from a C to G substitution 3 nucleotides upstream from coding exon 2 in the POLD1 gene. This nucleotide position is well conserved in available vertebrate species. In silico splice site analysis predicts that this alteration will weaken the native splice acceptor site. Based on the available evidence, the clinical significance of this variant remains unclear.

Labcorp Genetics (formerly Invitae), Labcorp
Classification: Uncertain significance for POLD1-related polyposis and colorectal cancer syndrome. Last evaluated: 2023-05-25. Review status: criteria provided, single submitter. Criteria: Invitae Variant Classification Sherloc (09022015). Collection method: clinical testing. Allele origin: germline.
Comment: This sequence change falls in intron 2 of the POLD1 gene. It does not directly change the encoded amino acid sequence of the POLD1 protein. It affects a nucleotide within the consensus splice site. In summary, the available evidence is currently insufficient to determine the role of this variant in disease. Therefore, it has been classified as a Variant of Uncertain Significance. Variants that disrupt the consensus splice site are a relatively common cause of aberrant splicing (PMID: 17576681, 9536098). Algorithms developed to predict the effect of sequence changes on RNA splicing suggest that this variant may disrupt the consensus splice site. This variant has not been reported in the literature in individuals affected with POLD1-related conditions. This variant is not present in population databases (gnomAD no frequency).

Mayo Clinic Laboratories, Mayo Clinic
Classification: Uncertain significance. Last evaluated: 2023-01-30. Review status: criteria provided, single submitter. Criteria: ACMG Guidelines, 2015. Collection method: clinical testing. Allele origin: germline. Observed: 1 variant allele.
Comment: PM2

Literature cited by the submitters: PubMed 17576681 (cited by Labcorp Genetics (formerly Invitae), Labcorp); PubMed 9536098 (cited by Labcorp Genetics (formerly Invitae), Labcorp).

NM_002691.4(POLD1):c.203-3C>G

Gene: POLD1 (DNA polymerase delta 1, catalytic subunit; plus strand). Cytogenetic location: 19q13.33.
Variant type: single nucleotide variant.
Coding change: c.203-3C>G on transcript NM_002691.4 (MANE Select); 3 bases into the intron before coding-DNA position 203, C replaced by G.
Molecular consequence: intron variant.
Genome position (GRCh38, 1-based): chr19:50,399,368, C>G. VCF-style: chr19-50399368-C-G. GRCh37 (hg19) VCF-style: chr19-50902625-C-G.
Other names: c.203-3C>G (NM_001256849.1, NM_001308632.1, NM_002691.2).
Identifiers: ClinVar variation 2683517 (VCV002683517.5), dbSNP rs2038495945, ClinGen allele CA2697556728.